The following is an entry in ClinVar:

NM_000350.3(ABCA4):c.6410G>A (p.Cys2137Tyr)

Gene: ABCA4 (ATP binding cassette subfamily A member 4; minus strand). Cytogenetic location: 1p22.1.
Variant type: single nucleotide variant.
Coding change: c.6410G>A on transcript NM_000350.3 (MANE Select); coding-DNA position 6410, G replaced by A.
Protein change: p.Cys2137Tyr; replaces cysteine 2137 with tyrosine.
Molecular consequence: missense variant.
Genome position (GRCh38, 1-based): chr1:94,000,905, C>T on the plus strand (G>A on the coding strand, the complement: ABCA4 is on the minus strand). VCF-style: chr1-94000905-C-T. GRCh37 (hg19) VCF-style: chr1-94466461-C-T.
Other names: NM_000350.3(ABCA4):c.6410G>A; p.Cys2137Tyr; c.6188G>A, p.Cys2063Tyr (NM_001425324.1); short protein forms C2137Y, C2063Y.
Identifiers: ClinVar variation 2202779 (VCV002202779.6), dbSNP rs1659154730, ClinGen allele CA341277358.
Genomic context (GRCh38, chr1:94,000,905, plus strand): 5'-AGATGCTGAATGGTGCCCATACATCGAAAGGCGCCCTTTACCATGATGGCCAGCCGGGTA[C>T]ACAGTGCCTCACATTCTTCCATGCTGTGGGGCAGGAGAGAGGAGGTGAGCAGGAGAGGAT-3'
Protein context (NP_000341.2, residues 2127-2147): SHSMEECEAL[Cys2137Tyr]TRLAIMVKGA

ClinVar aggregate classification (germline): Pathogenic. Review status: reviewed by expert panel (3 of 4 stars). 3 submissions from 3 submitters: Pathogenic (1). 2 of the submissions do not count toward it. Last evaluated 2026-02-24.

Conditions:
ABCA4-related retinopathy. Also called: ABCA4 retinoapthy; ABCA4-related retinoapthy. Identifiers: MedGen CN322612, MONDO:0800406.
ABCA4-related disorder. Also called: ABCA4-related disorders; ABCA4-related condition. Identifiers: MedGen CN239167.

Allele frequency attached by ClinVar (database versions not stated): gnomAD exomes below 0.00001.
gnomAD v4.1: 1 of 1,614,220 alleles (0.000062%); highest among the groups gnomAD compares: Non-Finnish European, 0.000085%; no homozygotes.

Submissions (3):

ClinGen ABCA4 Variant Curation Expert Panel, Clingen
Classification: Pathogenic for ABCA4-related retinopathy. Last evaluated: 2026-02-24. Review status: reviewed by expert panel. Criteria: ClinGen ABCA4 ACMG Specifications V1.0.0. Collection method: curation. Allele origin: germline. Inheritance: Autosomal recessive inheritance.
Comment: The NM_000350.3(ABCA4)c.6410G>A variant is a missense variant predicted to cause substitution of cysteine by tyrosine at amino acid 2137 (p.Cys2137Tyr). The total minor allele frequency in gnomAD v4.1.0 is 0.000000684 (1/1461892 alleles), which is lower than the ClinGen ABCA4 VCEP’s threshold for PM2_Supporting (<0.0001). The computational predictor REVEL gives a score of 0.967 which is above the threshold of >0.772, evidence that predicts a damaging effect on ABCA4 function (PP3_Moderate). The prevalence of the variant in affected individuals is significantly increased compared with the prevalence in controls. The OR is infinity and the CI is 25.35-infinity, which is above the ABCA4 VCEP threshold of >5, where the CI does not contain 1 (PS4; PMID: 35120629). At least one patient with this variant displayed flecks in the retina on fundus images, decreased visual acuity, night blindness, was under 18 years of age, and had two ABCA4 variants found by NGS, which is highly specific for ABCA4-related retinopathy (PP4; PMID: 32619608). This variant has been detected in at least 1 homozygous individual with ABCA4-related retinopathy (PM3_Supporting; PMID: 19959634). ABCA4 expression and ATPase activity in HEK293 cells both showed a decrease compared to WT, with a F-Index of 0, indicating that this variant impacts protein function (PS3_Supporting; PMID: 32845050). In summary, this variant meets the criteria to be classified as pathogenic for ABCA4-related retinopathy based on the ACMG/AMP criteria applied, as specified by the ClinGen ABCA4 VCEP (Specification Version 1): PS4, PP4, PM3_Supporting, PP3_Moderate, PM2_Supporting, PS3_Supporting.

Labcorp Genetics (formerly Invitae), Labcorp
Classification: Pathogenic. Last evaluated: 2024-10-25. Review status: criteria provided, single submitter. Criteria: Invitae Variant Classification Sherloc (09022015). Collection method: clinical testing. Allele origin: germline. Not counted in ClinVar's aggregate classification.
Comment: This sequence change replaces cysteine, which is neutral and slightly polar, with tyrosine, which is neutral and polar, at codon 2137 of the ABCA4 protein (p.Cys2137Tyr). This variant is not present in population databases (gnomAD no frequency). This missense change has been observed in individual(s) with Stargardt disease (PMID: 19959634, 32307445, 32619608). ClinVar contains an entry for this variant (Variation ID: 2202779). Invitae Evidence Modeling of protein sequence and biophysical properties (such as structural, functional, and spatial information, amino acid conservation, physicochemical variation, residue mobility, and thermodynamic stability) indicates that this missense variant is expected to disrupt ABCA4 protein function with a positive predictive value of 95%. Experimental studies have shown that this missense change affects ABCA4 function (PMID: 32845050). For these reasons, this variant has been classified as Pathogenic.

Blueprint Genetics
Classification: Pathogenic for ABCA4-related disorders. Last evaluated: 2020-09-05. Review status: criteria provided, single submitter. Criteria: ACMG Guidelines, 2015. Collection method: clinical testing. Allele origin: germline. Affected: yes. Observed: 1 variant allele. Not counted in ClinVar's aggregate classification.

Literature cited by the submitters: PubMed 19959634 (cited by Labcorp Genetics (formerly Invitae), Labcorp); PubMed 32307445 (cited by Labcorp Genetics (formerly Invitae), Labcorp); PubMed 32619608 (cited by Labcorp Genetics (formerly Invitae), Labcorp); PubMed 32845050 (cited by Labcorp Genetics (formerly Invitae), Labcorp).